The following is an entry in ClinVar:

NM_207037.2(TCF12):c.1925T>C (p.Leu642Pro)

Gene: TCF12 (transcription factor 12; plus strand). Cytogenetic location: 15q21.3.
Variant type: single nucleotide variant.
Coding change: c.1925T>C on transcript NM_207037.2 (MANE Select); coding-DNA position 1925, T replaced by C.
Protein change: p.Leu642Pro; replaces leucine 642 with proline.
Molecular consequence: missense variant.
Genome position (GRCh38, 1-based): chr15:57,273,209, T>C. VCF-style: chr15-57273209-T-C. GRCh37 (hg19) VCF-style: chr15-57565407-T-C.
Other names: c.1415T>C, p.Leu472Pro (NM_001306219.3); c.1145T>C, p.Leu382Pro (NM_001306220.3); c.1925T>C, p.Leu642Pro (NM_001322151.2, NM_001322159.3, NM_001322162.2 and 1 more transcripts); c.1922T>C, p.Leu641Pro (NM_001322152.2, NM_001322161.2); c.1268T>C, p.Leu423Pro (NM_001322154.2); c.1751T>C, p.Leu584Pro (NM_001322156.2); c.1853T>C, p.Leu618Pro (NM_001322157.3, NM_001322165.2, NM_003205.4 and 1 more transcripts); c.1679T>C, p.Leu560Pro (NM_001322158.2); and 2 more; short protein forms L382P, L423P, L448P, L472P, L560P, L584P, L618P, L630P.
Identifiers: ClinVar variation 3764250 (VCV003764250.1).

ClinVar aggregate classification (germline): Uncertain significance (1 of 4 stars; one submission).

Submission:

GeneDx
Classification: Uncertain significance. Last evaluated: 2024-08-19. Review status: criteria provided, single submitter. Criteria: GeneDx Variant Classification Process June 2021. Collection method: clinical testing. Allele origin: germline. Affected: yes.
Comment: Not observed at significant frequency in large population cohorts (gnomAD); In silico analysis supports that this missense variant has a deleterious effect on protein structure/function; Has not been previously published as pathogenic or benign to our knowledge